The following is an entry in ClinVar:

ClinVar aggregate classification (germline): Likely benign. Review status: criteria provided, multiple submitters, no conflicts (2 of 4 stars). 2 submissions from 2 submitters: Likely benign (2). Last evaluated 2025-05-01.

Conditions:
Kabuki syndrome. Also called: NIIKAWA-KUROKI SYNDROME; Kabuki make-up syndrome. Identifiers: Orphanet 2322, MedGen C0796004, MONDO:0016512.

Allele frequency attached by ClinVar (database versions not stated): gnomAD exomes below 0.00001 and 0.00001; TOPMed below 0.00001; gnomAD 0.00001.
gnomAD v4.1: 8 of 1,613,966 alleles (0.0005%); highest among the groups gnomAD compares: Non-Finnish European, 0.00068%; no homozygotes.

Submissions (2):

CeGaT Center for Human Genetics Tuebingen
Classification: Likely benign. Last evaluated: 2025-05-01. Review status: criteria provided, single submitter. Criteria: CeGaT Center For Human Genetics Tuebingen Variant Classification Criteria Version 2. Collection method: clinical testing. Allele origin: germline. Affected: yes. Observed: 1 variant allele.
Comment: KMT2D: BP4, BP7

Labcorp Genetics (formerly Invitae), Labcorp
Classification: Likely benign for Kabuki syndrome. Last evaluated: 2023-10-24. Review status: criteria provided, single submitter. Criteria: Invitae Variant Classification Sherloc (09022015). Collection method: clinical testing. Allele origin: germline.

NM_003482.4(KMT2D):c.5262A>G (p.Gln1754=)

Gene: KMT2D (lysine methyltransferase 2D; minus strand). Cytogenetic location: 12q13.12.
Variant type: single nucleotide variant.
Coding change: c.5262A>G on transcript NM_003482.4 (MANE Select); coding-DNA position 5262, A replaced by G.
Protein change: p.Gln1754=; no amino-acid change (glutamine 1754 retained).
Molecular consequence: synonymous variant.
Genome position (GRCh38, 1-based): chr12:49,043,925, T>C on the plus strand (A>G on the coding strand, the complement: KMT2D is on the minus strand). VCF-style: chr12-49043925-T-C. GRCh37 (hg19) VCF-style: chr12-49437708-T-C.
Identifiers: ClinVar variation 1591781 (VCV001591781.18), dbSNP rs1236573276, ClinGen allele CA479712972.